The following is an entry in ClinVar:

NM_000214.3(JAG1):c.3148G>C (p.Ala1050Pro)

Gene: JAG1 (jagged canonical Notch ligand 1; minus strand). Cytogenetic location: 20p12.2.
Variant type: single nucleotide variant.
Coding change: c.3148G>C on transcript NM_000214.3 (MANE Select); coding-DNA position 3148, G replaced by C.
Protein change: p.Ala1050Pro; replaces alanine 1050 with proline.
Molecular consequence: missense variant.
Genome position (GRCh38, 1-based): chr20:10,640,834, C>G on the plus strand (G>C on the coding strand, the complement: JAG1 is on the minus strand). VCF-style: chr20-10640834-C-G. GRCh37 (hg19) VCF-style: chr20-10621482-C-G.
Other names: short protein forms A1050P.
Identifiers: ClinVar variation 3343565 (VCV003343565.1).

ClinVar aggregate classification (germline): Uncertain significance (1 of 4 stars; one submission).

Submission:

GeneDx
Classification: Uncertain significance. Last evaluated: 2023-05-18. Review status: criteria provided, single submitter. Criteria: GeneDx Variant Classification Process June 2021. Collection method: clinical testing. Allele origin: germline. Affected: yes.
Comment: Not observed at significant frequency in large population cohorts (gnomAD); In silico analysis supports that this missense variant does not alter protein structure/function; Has not been previously published as pathogenic or benign to our knowledge